The following is an entry in ClinVar:

NM_000069.3(CACNA1S):c.4416C>T (p.Arg1472=)

Gene: CACNA1S (calcium voltage-gated channel subunit alpha1 S; minus strand). Cytogenetic location: 1q32.1.
Variant type: single nucleotide variant.
Coding change: c.4416C>T on transcript NM_000069.3 (MANE Select); coding-DNA position 4416, C replaced by T.
Protein change: p.Arg1472=; no amino-acid change (arginine 1472 retained).
Molecular consequence: synonymous variant.
Genome position (GRCh38, 1-based): chr1:201,048,607, G>A on the plus strand (C>T on the coding strand, the complement: CACNA1S is on the minus strand). VCF-style: chr1-201048607-G-A. GRCh37 (hg19) VCF-style: chr1-201017735-G-A.
Identifiers: ClinVar variation 2928611 (VCV002928611.4), dbSNP rs1162767709, ClinGen allele CA422718780.

ClinVar aggregate classification (germline): Conflicting classifications of pathogenicity. Review status: criteria provided, conflicting classifications (1 of 4 stars). 2 submissions from 2 submitters: Uncertain significance (1); Likely benign (1). Last evaluated 2023-11-04.

Conditions:
Malignant hyperthermia, susceptibility to, 5 (MHS5). Also called: CACNA1S-Related Malignant Hyperthermia Susceptibility. Identifiers: Orphanet 423, MedGen C1866077, MONDO:0011163, OMIM 601887.
Hypokalemic periodic paralysis, type 1. Also called: Hypokalemic Periodic Paralysis Type 1 (AD); HypoPP. Identifiers: Orphanet 681, MedGen C3714580, MONDO:0042979, OMIM 170400.

gnomAD v4.1: 1 of 1,613,920 alleles (0.000062%); highest among the groups gnomAD compares: Non-Finnish European, 0.000085%; no homozygotes.

Submissions (2):

Labcorp Genetics (formerly Invitae), Labcorp
Classification: Likely benign for Hypokalemic periodic paralysis, type 1; Malignant hyperthermia, susceptibility to, 5. Last evaluated: 2023-11-04. Review status: criteria provided, single submitter. Criteria: Invitae Variant Classification Sherloc (09022015). Collection method: clinical testing. Allele origin: germline.

All of Us Research Program, National Institutes of Health
Classification: Uncertain significance for Malignant hyperthermia, susceptibility to, 5. Last evaluated: 2023-08-08. Review status: criteria provided, single submitter. Criteria: ACMG Guidelines, 2015. Collection method: clinical testing. Allele origin: germline. Inheritance: Autosomal dominant inheritance. Observed: 1 variant allele, 1 heterozygote.
Comment: This variant is located in the CACNA1S protein. To our knowledge, functional studies have not been reported for this variant. This variant has not been reported in individuals affected with CACNA1S-related disorders in the literature. This variant has not been identified in the general population by the Genome Aggregation Database (gnomAD). The available evidence is insufficient to determine the role of this variant in disease conclusively. Therefore, this variant is classified as a Variant of Uncertain Significance.

This study involves interpretation of variants in research participants for the purpose of population health screening. Participant phenotype was not available at the time of variant classification. Additional details can be found in publication PMID: 35346344, PMCID: PMC8962531